The following is an entry in ClinVar:

NM_016373.4(WWOX):c.1018C>T (p.Leu340=)

Gene: WWOX (WW domain containing oxidoreductase; plus strand). Cytogenetic location: 16q23.1.
Variant type: single nucleotide variant.
Coding change: c.1018C>T on transcript NM_016373.4 (MANE Select); coding-DNA position 1018, C replaced by T.
Protein change: p.Leu340=; no amino-acid change (leucine 340 retained).
Molecular consequence: synonymous variant.
Genome position (GRCh38, 1-based): chr16:78,432,714, C>T. VCF-style: chr16-78432714-C-T. GRCh37 (hg19) VCF-style: chr16-78466611-C-T.
Other names: c.679C>T, p.Leu227= (NM_001291997.2).
Identifiers: ClinVar variation 3030077 (VCV003030077.2), dbSNP rs976415963, ClinGen allele CA496698590.
Genomic context (GRCh38, chr16:78,432,714, plus strand): 5'-GCAGTGCATCCTGGAAATATGATGTACTCCAACATTCATCGCAGCTGGTGGGTGTACACA[C>T]TGCTGTTTACCTTGGCGAGGCCTTTCACCAAGTCCATGGTAAGAGAACAGCTTCTGGCGC-3'
Protein context (NP_057457.1, residues 330-350): NIHRSWWVYT[Leu340=]LFTLARPFTK

ClinVar aggregate classification (germline): Likely benign (0 of 4 stars; one submission).

Conditions:
WWOX-related disorder. Also called: WWOX-related condition.

Allele frequency attached by ClinVar (database versions not stated): gnomAD 0.00001.
gnomAD v4.1: 3 of 1,614,102 alleles (0.00019%); highest among the groups gnomAD compares: East Asian, 0.0022%; no homozygotes.

Submission:

PreventionGenetics, part of Exact Sciences
Classification: Likely benign for WWOX-related condition. Last evaluated: 2021-02-16. Review status: no assertion criteria provided. Collection method: clinical testing. Allele origin: germline.
Comment: This variant is classified as likely benign based on ACMG/AMP sequence variant interpretation guidelines (Richards et al. 2015 PMID: 25741868, with internal and published modifications).